The following is an entry in ClinVar:

NM_001278689.2(EOGT):c.807C>T (p.Asp269=)

Gene: EOGT (EGF domain specific O-linked N-acetylglucosamine transferase; minus strand). Cytogenetic location: 3p14.1.
Variant type: single nucleotide variant.
Coding change: c.807C>T on transcript NM_001278689.2 (MANE Select); coding-DNA position 807, C replaced by T.
Protein change: p.Asp269=; no amino-acid change (aspartic acid 269 retained).
Molecular consequence: synonymous variant.
Genome position (GRCh38, 1-based): chr3:68,998,035, G>A on the plus strand (C>T on the coding strand, the complement: EOGT is on the minus strand). VCF-style: chr3-68998035-G-A. GRCh37 (hg19) VCF-style: chr3-69047186-G-A.
Other names: c.807C>T, p.Asp269= (NM_173654.3); c.807C>T (NM_173654.2).
Identifiers: ClinVar variation 2049339 (VCV002049339.21), dbSNP rs200904493, ClinGen allele CA2486788.

ClinVar aggregate classification (germline): Benign/Likely benign. Review status: criteria provided, multiple submitters, no conflicts (2 of 4 stars). 4 submissions from 4 submitters: Benign (1); Likely benign (2). 1 of the submissions does not count toward it. Last evaluated 2025-11-17.

Conditions:
EOGT-related disorder. Also called: EOGT-related condition.
Adams-Oliver syndrome 4 (AOS4). Identifiers: Orphanet 974, MedGen C3809092, MONDO:0014124, OMIM 615297.

Allele frequency attached by ClinVar (database versions not stated): TOPMed 0.00006; gnomAD exomes 0.00012; gnomAD 0.00013; ExAC 0.00026; 1000 Genomes Project 30x 0.00078; 1000 Genomes Project 0.00080.
gnomAD v4.1: 195 of 1,587,136 alleles (0.012%); highest among the groups gnomAD compares: South Asian, 0.16%; 4 homozygotes.

Submissions (4):

Labcorp Genetics (formerly Invitae), Labcorp
Classification: Benign for Adams-Oliver syndrome 4. Last evaluated: 2025-11-17. Review status: criteria provided, single submitter. Criteria: Invitae Variant Classification Sherloc (09022015). Collection method: clinical testing. Allele origin: germline.

Blueprint Genetics
Classification: Likely benign. Last evaluated: 2024-11-20. Review status: criteria provided, single submitter. Criteria: ACMG Guidelines, 2015. Collection method: clinical testing. Allele origin: germline.

CeGaT Center for Human Genetics Tuebingen
Classification: Likely benign. Last evaluated: 2024-11-01. Review status: criteria provided, single submitter. Criteria: CeGaT Center For Human Genetics Tuebingen Variant Classification Criteria Version 2. Collection method: clinical testing. Allele origin: germline. Affected: yes. Observed: 1 variant allele.
Comment: EOGT: BP4, BP7

PreventionGenetics, part of Exact Sciences
Classification: Likely benign for EOGT-related condition. Last evaluated: 2019-05-22. Review status: no assertion criteria provided. Collection method: clinical testing. Allele origin: germline. Not counted in ClinVar's aggregate classification.
Comment: This variant is classified as likely benign based on ACMG/AMP sequence variant interpretation guidelines (Richards et al. 2015 PMID: 25741868, with internal and published modifications).